The following is an entry in ClinVar:

NM_000237.3(LPL):c.763_766del (p.Arg255fs)

Gene: LPL (lipoprotein lipase; plus strand). Cytogenetic location: 8p21.3.
Variant type: Microsatellite.
Coding change: c.763_766del on transcript NM_000237.3 (MANE Select); coding-DNA positions 763 to 766, 4 bases deleted (AGAG; older notation c.763_766delAGAG).
Protein change: p.Arg255fs; shifts the reading frame from arginine 255.
Molecular consequence: frameshift variant.
Genome position (GRCh38, 1-based): chr8:19,954,341-19,954,344, AGAG deleted; deleting any 4 consecutive bases within chr8:19,954,337-19,954,344 gives the same sequence; the c. name uses the placement nearest the transcript's 3' end. VCF-style (leftmost placement, unchanged base first): chr8-19954336-CAGAG-C. GRCh37 (hg19) VCF-style: chr8-19811847-CAGAG-C.
Other names: short protein forms R255fs.
Identifiers: ClinVar variation 1452004 (VCV001452004.6), dbSNP rs1563575291, ClinGen allele CA580502332.
Genomic context (GRCh38, chr8:19,954,336, plus strand): 5'-ACCCGAATGGAGGTACTTTTCAGCCAGGATGTAACATTGGAGAAGCTATCCGCGTGATTG[CAGAG>C]AGAGGACTTGGAGGTAAATATTATTTAGAAGCGAATTAAATGTGACTCTTATCCTTAACC-3'

ClinVar aggregate classification (germline): Pathogenic (1 of 4 stars; one submission).

Submission:

Labcorp Genetics (formerly Invitae), Labcorp
Classification: Pathogenic. Last evaluated: 2023-03-07. Review status: criteria provided, single submitter. Criteria: Invitae Variant Classification Sherloc (09022015). Collection method: clinical testing. Allele origin: germline.
Comment: This sequence change creates a premature translational stop signal (p.Arg255Aspfs*8) in the LPL gene. It is expected to result in an absent or disrupted protein product. Loss-of-function variants in LPL are known to be pathogenic (PMID: 11334614). This variant is present in population databases (no rsID available, gnomAD 0.0009%). This variant has not been reported in the literature in individuals affected with LPL-related conditions. For these reasons, this variant has been classified as Pathogenic.

Literature cited by the submitters: PubMed 11334614.